The following is an entry in ClinVar:

ClinVar aggregate classification (germline): Uncertain significance. Review status: criteria provided, multiple submitters, no conflicts (2 of 4 stars). 2 submissions from 2 submitters: Uncertain significance (2). Last evaluated 2026-08-05.

Conditions:
Inborn genetic diseases. Identifiers: MedGen C0950123, MeSH D030342.

Allele frequency attached by ClinVar (database versions not stated): gnomAD exomes 0.00001 and 0.00002; ExAC 0.00003; gnomAD 0.00001 and 0.00002; 1000 Genomes Project 30x 0.00021; 1000 Genomes Project 0.00026.

Submissions (2):

Ambry Genetics
Classification: Uncertain significance for Inborn genetic diseases. Last evaluated: 2026-08-05. Review status: criteria provided, single submitter. Criteria: Ambry Variant Classification Scheme 2023. Collection method: clinical testing. Allele origin: germline.

Labcorp Genetics (formerly Invitae), Labcorp
Classification: Uncertain significance. Last evaluated: 2024-06-19. Review status: criteria provided, single submitter. Criteria: Invitae Variant Classification Sherloc (09022015). Collection method: clinical testing. Allele origin: germline.
Comment: This sequence change replaces arginine, which is basic and polar, with tryptophan, which is neutral and slightly polar, at codon 88 of the GPR143 protein (p.Arg88Trp). The frequency data for this variant in the population databases is considered unreliable, as metrics indicate poor data quality at this position in the gnomAD database. This variant has not been reported in the literature in individuals affected with GPR143-related conditions. ClinVar contains an entry for this variant (Variation ID: 1487740). Advanced modeling of protein sequence and biophysical properties (such as structural, functional, and spatial information, amino acid conservation, physicochemical variation, residue mobility, and thermodynamic stability) performed at Invitae indicates that this missense variant is expected to disrupt GPR143 protein function with a positive predictive value of 80%. In summary, the available evidence is currently insufficient to determine the role of this variant in disease. Therefore, it has been classified as a Variant of Uncertain Significance.

NM_000273.3(GPR143):c.262C>T (p.Arg88Trp)

Gene: GPR143 (G protein-coupled receptor 143; minus strand). Cytogenetic location: Xp22.2.
Variant type: single nucleotide variant.
Coding change: c.262C>T on transcript NM_000273.3 (MANE Select); coding-DNA position 262, C replaced by T.
Protein change: p.Arg88Trp; replaces arginine 88 with tryptophan.
Molecular consequence: missense variant.
Genome position (GRCh38, 1-based): chrX:9,760,815, G>A on the plus strand (C>T on the coding strand, the complement: GPR143 is on the minus strand). VCF-style: chrX-9760815-G-A. GRCh37 (hg19) VCF-style: chrX-9728855-G-A.
Other names: c.262C>T (NM_000273.2); short protein forms R88W.
Identifiers: ClinVar variation 1487740 (VCV001487740.9), dbSNP rs144066077, ClinGen allele CA10345076.